The following is an entry in ClinVar:

ClinVar aggregate classification (germline): Uncertain significance (1 of 4 stars; one submission).

Conditions:
Familial hemophagocytic lymphohistiocytosis 5. Also called: STXBP2-Related Familial Hemophagocytic Lymphohistiocytosis (STXBP2-fHLH). Identifiers: Orphanet 540, MedGen C2751293, MONDO:0013135, OMIM 613101.

Allele frequency attached by ClinVar (database versions not stated): ExAC 0.00001; gnomAD 0.00001; gnomAD exomes 0.00001.
gnomAD v4.1: 11 of 1,613,642 alleles (0.00068%); highest among the groups gnomAD compares: East Asian, 0.0022%; no homozygotes.

Submission:

Labcorp Genetics (formerly Invitae), Labcorp
Classification: Uncertain significance for Familial hemophagocytic lymphohistiocytosis 5. Last evaluated: 2022-10-25. Review status: criteria provided, single submitter. Criteria: Invitae Variant Classification Sherloc (09022015). Collection method: clinical testing. Allele origin: germline.
Comment: This sequence change replaces alanine, which is neutral and non-polar, with threonine, which is neutral and polar, at codon 400 of the STXBP2 protein (p.Ala400Thr). The frequency data for this variant in the population databases is considered unreliable, as metrics indicate poor data quality at this position in the gnomAD database. This variant has not been reported in the literature in individuals affected with STXBP2-related conditions. ClinVar contains an entry for this variant (Variation ID: 1439432). Advanced modeling of protein sequence and biophysical properties (such as structural, functional, and spatial information, amino acid conservation, physicochemical variation, residue mobility, and thermodynamic stability) performed at Invitae indicates that this missense variant is not expected to disrupt STXBP2 protein function. In summary, the available evidence is currently insufficient to determine the role of this variant in disease. Therefore, it has been classified as a Variant of Uncertain Significance.

NM_006949.4(STXBP2):c.1198G>A (p.Ala400Thr)

Gene: STXBP2 (syntaxin binding protein 2; plus strand). Cytogenetic location: 19p13.2.
Variant type: single nucleotide variant.
Coding change: c.1198G>A on transcript NM_006949.4 (MANE Select); coding-DNA position 1198, G replaced by A.
Protein change: p.Ala400Thr; replaces alanine 400 with threonine.
Molecular consequence: missense variant. On other transcripts: non-coding transcript variant (1).
Genome position (GRCh38, 1-based): chr19:7,644,704, G>A. VCF-style: chr19-7644704-G-A. GRCh37 (hg19) VCF-style: chr19-7709590-G-A.
Other names: c.1189G>A, p.Ala397Thr (NM_001127396.3); c.1231G>A, p.Ala411Thr (NM_001272034.2); short protein forms A411T, A397T, A400T.
Identifiers: ClinVar variation 1439432 (VCV001439432.5), dbSNP rs778507837, ClinGen allele CA9144025.